The following is an entry in ClinVar:

NM_001378120.1(MBD5):c.2527G>A (p.Gly843Arg)

Gene: MBD5 (methyl-CpG binding domain protein 5; plus strand). Cytogenetic location: 2q23.1.
Variant type: single nucleotide variant.
Coding change: c.2527G>A on transcript NM_001378120.1 (MANE Select); coding-DNA position 2527, G replaced by A.
Protein change: p.Gly843Arg; replaces glycine 843 with arginine.
Molecular consequence: missense variant.
Genome position (GRCh38, 1-based): chr2:148,483,118, G>A. VCF-style: chr2-148483118-G-A. GRCh37 (hg19) VCF-style: chr2-149240687-G-A.
Other names: c.2527G>A, p.Gly843Arg (NM_018328.5); short protein forms G843R.
Identifiers: ClinVar variation 2131683 (VCV002131683.4), dbSNP rs1681215005, ClinGen allele CA348722153.

ClinVar aggregate classification (germline): Uncertain significance (1 of 4 stars; one submission).

Conditions:
Intellectual developmental disorder, autosomal dominant 1. Also called: Intellectual disability, autosomal dominant 1; MBD5 Haploinsufficiency. Identifiers: Orphanet 228402, MedGen C1969562, MONDO:0007974, OMIM 156200.

Allele frequency attached by ClinVar (database versions not stated): gnomAD exomes below 0.00001.
gnomAD v4.1: 1 of 1,610,312 alleles (0.000062%); highest among the groups gnomAD compares: South Asian, 0.0011%; no homozygotes.

Submission:

Labcorp Genetics (formerly Invitae), Labcorp
Classification: Uncertain significance for Intellectual developmental disorder, autosomal dominant 1. Last evaluated: 2023-01-12. Review status: criteria provided, single submitter. Criteria: Invitae Variant Classification Sherloc (09022015). Collection method: clinical testing. Allele origin: germline.
Comment: This sequence change replaces glycine, which is neutral and non-polar, with arginine, which is basic and polar, at codon 843 of the MBD5 protein (p.Gly843Arg). In summary, the available evidence is currently insufficient to determine the role of this variant in disease. Therefore, it has been classified as a Variant of Uncertain Significance. Advanced modeling of protein sequence and biophysical properties (such as structural, functional, and spatial information, amino acid conservation, physicochemical variation, residue mobility, and thermodynamic stability) performed at Invitae indicates that this missense variant is not expected to disrupt MBD5 protein function. This variant has not been reported in the literature in individuals affected with MBD5-related conditions. This variant is not present in population databases (gnomAD no frequency).